The following is an entry in ClinVar:

ClinVar aggregate classification (germline): Conflicting classifications of pathogenicity. Review status: criteria provided, conflicting classifications (1 of 4 stars). 3 submissions from 3 submitters: Likely pathogenic (2); Uncertain significance (1). Last evaluated 2025-03-28.

Conditions:
Cardiomyopathy (CMYO). Also called: Cardiomyopathies. Identifiers: Orphanet 167848, MedGen C0878544, MONDO:0004994, HP:0001638. Inheritance: Various modes of inheritance.
DSC2-related disorders.
Arrhythmogenic right ventricular dysplasia 11. Also called: ARRHYTHMOGENIC RIGHT VENTRICULAR DYSPLASIA, FAMILIAL, 11; Arrhythmogenic Right Ventricular Dysplasia/Cardiomyopathy11; Arrhythmogenic right ventricular dysplasia 11 with mild palmoplantar keratoderma and woolly hair. Identifiers: MedGen C1864850, MONDO:0012506, OMIM 610476.

Allele frequency attached by ClinVar (database versions not stated): ExAC 0.00001.

Submissions (3):

Color Diagnostics, LLC DBA Color Health
Classification: Uncertain significance for Cardiomyopathy. Last evaluated: 2025-03-28. Review status: criteria provided, single submitter. Criteria: ACMG Guidelines, 2015. Collection method: clinical testing. Allele origin: germline.
Comment: This variant replaces T to C at +2 position in intron 2 of the DSC2 gene. To our knowledge, functional studies have not been reported for this variant. This variant has not been reported in individuals affected with DSC2-related disorders in the literature. This variant has not been identified in the general population by the Genome Aggregation Database (gnomAD). The available evidence is insufficient to determine the role of this variant in disease conclusively. Therefore, this variant is classified as a Variant of Uncertain Significance.

Labcorp Genetics (formerly Invitae), Labcorp
Classification: Likely pathogenic for Arrhythmogenic right ventricular dysplasia 11. Last evaluated: 2024-08-29. Review status: criteria provided, single submitter. Criteria: Invitae Variant Classification Sherloc (09022015). Collection method: clinical testing. Allele origin: germline.
Comment: This sequence change affects a donor splice site in intron 2 of the DSC2 gene. It is expected to disrupt RNA splicing. Variants that disrupt the donor or acceptor splice site typically lead to a loss of protein function (PMID: 16199547), and loss-of-function variants in DSC2 are known to be pathogenic (PMID: 23911551). This variant is not present in population databases (gnomAD no frequency). Disruption of this splice site has been observed in individual(s) with arrhythmogenic right ventricular cardiomyopathy (PMID: 31386562). ClinVar contains an entry for this variant (Variation ID: 1515598). Algorithms developed to predict the effect of sequence changes on RNA splicing suggest that this variant may disrupt the consensus splice site. In summary, the currently available evidence indicates that the variant is pathogenic, but additional data are needed to prove that conclusively. Therefore, this variant has been classified as Likely Pathogenic.

Blueprint Genetics
Classification: Likely pathogenic for DSC2-related disorders. Last evaluated: 2023-07-14. Review status: criteria provided, single submitter. Criteria: ACMG Guidelines, 2015. Collection method: clinical testing. Allele origin: germline. Affected: yes. Observed: 1 variant allele.

Literature cited by the submitters: PubMed 16199547 (cited by Labcorp Genetics (formerly Invitae), Labcorp); PubMed 23911551 (cited by Labcorp Genetics (formerly Invitae), Labcorp); PubMed 31386562 (cited by Labcorp Genetics (formerly Invitae), Labcorp).

NM_024422.6(DSC2):c.154+2T>C

Gene: DSC2 (desmocollin 2; minus strand). Cytogenetic location: 18q12.1.
Variant type: single nucleotide variant.
Coding change: c.154+2T>C on transcript NM_024422.6 (MANE Select); the canonical splice donor site of the intron after coding-DNA position 154, T replaced by C.
Molecular consequence: splice donor variant.
Genome position (GRCh38, 1-based): chr18:31,093,557, A>G on the plus strand (T>C on the coding strand, the complement: DSC2 is on the minus strand). VCF-style: chr18-31093557-A-G. GRCh37 (hg19) VCF-style: chr18-28673520-A-G.
Other names: c.154+2T>C (NM_004949.5); c.-276+2T>C (NM_001406506.1, NM_001406507.1).
Identifiers: ClinVar variation 1515598 (VCV001515598.8), dbSNP rs747424133, ClinGen allele CA031877.
Genomic context (GRCh38, chr18:31,093,557, plus strand): 5'-TTCCATGGCGTATATGTACCACAGCAAAACAGGATTTATTACAAATTTTAGGGCTTCCTT[A>G]CCTCTACCAACAAGTTTCTCGGCATCTAGTTTGGAGGGAACATGTAATGTCACATTTTTG-3'